The following is an entry in ClinVar:

NM_032776.3(JMJD1C):c.2099A>G (p.Lys700Arg)

Gene: JMJD1C (jumonji domain containing 1C; minus strand). Cytogenetic location: 10q21.3.
Variant type: single nucleotide variant.
Coding change: c.2099A>G on transcript NM_032776.3 (MANE Select); coding-DNA position 2099, A replaced by G.
Protein change: p.Lys700Arg; replaces lysine 700 with arginine.
Molecular consequence: missense variant. On other transcripts: non-coding transcript variant (1).
Genome position (GRCh38, 1-based): chr10:63,214,068, T>C on the plus strand (A>G on the coding strand, the complement: JMJD1C is on the minus strand). VCF-style: chr10-63214068-T-C. GRCh37 (hg19) VCF-style: chr10-64973828-T-C.
Other names: c.1553A>G, p.Lys518Arg (NM_001282948.2, NM_001318154.2); c.1235A>G, p.Lys412Arg (NM_001318153.2); c.1985A>G, p.Lys662Arg (NM_001322252.2); c.1442A>G, p.Lys481Arg (NM_001322254.2, NM_001322258.2); short protein forms K662R, K481R, K412R, K518R, K700R.
Identifiers: ClinVar variation 1437602 (VCV001437602.8), dbSNP rs2133217608, ClinGen allele CA377046699.

ClinVar aggregate classification (germline): Uncertain significance (1 of 4 stars; one submission).

Conditions:
Early Myoclonic Encephalopathy. Identifiers: MedGen C0270855.

Submission:

Labcorp Genetics (formerly Invitae), Labcorp
Classification: Uncertain significance for Early Myoclonic Encephalopathy. Last evaluated: 2023-12-09. Review status: criteria provided, single submitter. Criteria: Invitae Variant Classification Sherloc (09022015). Collection method: clinical testing. Allele origin: germline.
Comment: This sequence change replaces lysine, which is basic and polar, with arginine, which is basic and polar, at codon 700 of the JMJD1C protein (p.Lys700Arg). This variant is not present in population databases (gnomAD no frequency). This variant has not been reported in the literature in individuals affected with JMJD1C-related conditions. ClinVar contains an entry for this variant (Variation ID: 1437602). Advanced modeling of protein sequence and biophysical properties (such as structural, functional, and spatial information, amino acid conservation, physicochemical variation, residue mobility, and thermodynamic stability) performed at Invitae indicates that this missense variant is expected to disrupt JMJD1C protein function with a positive predictive value of 80%. In summary, the available evidence is currently insufficient to determine the role of this variant in disease. Therefore, it has been classified as a Variant of Uncertain Significance.